The following is an entry in ClinVar:

ClinVar aggregate classification (germline): Likely pathogenic. Review status: criteria provided, multiple submitters, no conflicts (2 of 4 stars). 2 submissions from 2 submitters: Likely pathogenic (2). Last evaluated 2025-12-19.

Conditions:
PDE6B-related disorder. Also called: PDE6B-related disease; PDE6B-related condition; PDE6B-related disorders.
Retinitis pigmentosa 40 (RP40). Identifiers: Orphanet 791, MedGen C3151107, MONDO:0013429, OMIM 613801.

gnomAD v4.1: 5 of 1,529,322 alleles (0.00033%); highest among the groups gnomAD compares: African/African-American, 0.0014%; no homozygotes.

Submissions (2):

3billion
Classification: Likely pathogenic for Retinitis pigmentosa 40. Last evaluated: 2025-12-19. Review status: criteria provided, single submitter. Criteria: ACMG Guidelines, 2015. Collection method: clinical testing. Allele origin: germline. Affected: yes.
Comment: The variant is observed at an extremely low frequency in the gnomAD v4.1.0 dataset (total allele frequency: <0.001%). Predicted Consequence/Location: Canonical splice site: predicted to alter splicing and result in a loss or disruption of normal protein function. Multiple pathogenic loss-of-function variants are reported downstream of the variant. In silico tools predict the variant to alter splicing and produce an abnormal transcript [SpliceAI: 0.71 (spliceogenicity >=0.2, non-spliceogenicity <0.1)]. The variant has been reported as of uncertain significance (PMID: 38927562). Therefore, this variant is classified as Likely pathogenic according to the recommendation of ACMG/AMP guideline.

Blueprint Genetics
Classification: Likely pathogenic for PDE6B-related disorders. Last evaluated: 2022-02-09. Review status: criteria provided, single submitter. Criteria: ACMG Guidelines, 2015. Collection method: clinical testing. Allele origin: germline. Affected: yes. Observed: 3 variant alleles.

NM_000283.4(PDE6B):c.1107+1G>T

Gene: PDE6B (phosphodiesterase 6B; plus strand). Cytogenetic location: 4p16.3.
Variant type: single nucleotide variant.
Coding change: c.1107+1G>T on transcript NM_000283.4 (MANE Select); the canonical splice donor site of the intron after coding-DNA position 1107, G replaced by T.
Molecular consequence: splice donor variant. On other transcripts: intron variant (1).
Genome position (GRCh38, 1-based): chr4:656,293, G>T. VCF-style: chr4-656293-G-T. GRCh37 (hg19) VCF-style: chr4-650082-G-T.
Other names: c.1107+1G>T (NM_001145291.2); c.270+1G>T (NM_001379246.1, NM_001379247.1, NM_001145292.2 and 1 more transcripts); c.-48-581G>T (NM_001350155.3).
Identifiers: ClinVar variation 4854712 (VCV004854712.2), dbSNP rs1031853500.